The following is an entry in ClinVar:

NM_000138.5(FBN1):c.6170G>C (p.Arg2057Pro)

Gene: FBN1 (fibrillin 1; minus strand). Cytogenetic location: 15q21.1.
Variant type: single nucleotide variant.
Coding change: c.6170G>C on transcript NM_000138.5 (MANE Select); coding-DNA position 6170, G replaced by C.
Protein change: p.Arg2057Pro; replaces arginine 2057 with proline.
Molecular consequence: missense variant.
Genome position (GRCh38, 1-based): chr15:48,437,911, C>G on the plus strand (G>C on the coding strand, the complement: FBN1 is on the minus strand). VCF-style: chr15-48437911-C-G. GRCh37 (hg19) VCF-style: chr15-48730108-C-G.
Other names: c.6170G>C, p.Arg2057Pro (NM_001406716.1); short protein forms R2057P.
Identifiers: ClinVar variation 1752008 (VCV001752008.2), dbSNP rs181032147, ClinGen allele CA392337326.

ClinVar aggregate classification (germline): Uncertain significance (1 of 4 stars; one submission).

Conditions:
Familial thoracic aortic aneurysm and aortic dissection (TAAD). Also called: Thoracic aortic aneurysms and dissections. Identifiers: Orphanet 91387, MedGen C4707243, MONDO:0019625.

Submission:

Ambry Genetics
Classification: Uncertain significance for Familial thoracic aortic aneurysm and aortic dissection. Last evaluated: 2021-05-18. Review status: criteria provided, single submitter. Criteria: Ambry Variant Classification Scheme 2023. Collection method: clinical testing. Allele origin: germline.
Comment: The p.R2057P variant (also known as c.6170G>C), located in coding exon 50 of the FBN1 gene, results from a G to C substitution at nucleotide position 6170. The arginine at codon 2057 is replaced by proline, an amino acid with dissimilar properties, and is located in the TGFBP #06 domain. Another alteration affecting the same amino acid, p.R2057Q (c.6170G>A), has been reported in association with Marfan syndrome (Liu WO et al. 1997; Genet Test;1:237-42). This amino acid position is highly conserved in available vertebrate species. In addition, this alteration is predicted to be deleterious by in silico analysis. Since supporting evidence is limited at this time, the clinical significance of this alteration remains unclear.